The following is an entry in ClinVar:

NM_003579.4(RAD54L):c.2152G>A (p.Glu718Lys)

Genes: LRRC41 (leucine rich repeat containing 41; minus strand), RAD54L (RAD54 like; plus strand). Cytogenetic location: 1p34.1.
Variant type: single nucleotide variant.
Coding change: c.2152G>A on transcript NM_003579.4 (MANE Select); coding-DNA position 2152, G replaced by A.
Protein change: p.Glu718Lys; replaces glutamic acid 718 with lysine.
Molecular consequence: missense variant. On other transcripts: 3 prime UTR variant (1).
Genome position (GRCh38, 1-based): chr1:46,278,190, G>A. VCF-style: chr1-46278190-G-A. GRCh37 (hg19) VCF-style: chr1-46743862-G-A.
Other names: c.*675C>T (NM_006369.5); c.2152G>A, p.Glu718Lys (NM_001142548.2); c.1612G>A, p.Glu538Lys (NM_001370766.1); short protein forms E538K, E718K.
Identifiers: ClinVar variation 3312488 (VCV003312488.1).
Genomic context (GRCh38, chr1:46,278,190, plus strand): 5'-GACTGCACTTCAGACCTGGCAGGGTGGAACCACTGCACTGATAAGTGGGGGCTCCGGGAT[G>A]AGGTACTCCAGGCTGCCTGGGATGCTGCCTCCACTGCCATCACCTTCGTCTTCCACCAGC-3'
Protein context (NP_003570.2, residues 708-728): HCTDKWGLRD[Glu718Lys]VLQAAWDAAS

ClinVar aggregate classification (germline): Uncertain significance (1 of 4 stars; one submission).

gnomAD v4.1: 1 of 1,613,782 alleles (0.000062%); no homozygotes.

Submission:

Ambry Genetics
Classification: Uncertain significance. Last evaluated: 2024-05-30. Review status: criteria provided, single submitter. Criteria: Ambry Variant Classification Scheme 2023. Collection method: clinical testing. Allele origin: germline.
Comment: The p.E718K variant (also known as c.2152G>A), located in coding exon 18 of the RAD54L gene, results from a G to A substitution at nucleotide position 2152. The glutamic acid at codon 718 is replaced by lysine, an amino acid with similar properties. This amino acid position is conserved. In addition, this alteration is predicted to be tolerated by in silico analysis. Based on the available evidence, the clinical significance of this variant remains unclear.